The following is an entry in ClinVar:

NM_015178.3(RHOBTB2):c.2096G>A (p.Arg699Gln)

Gene: RHOBTB2 (Rho related BTB domain containing 2; plus strand). Cytogenetic location: 8p21.3.
Variant type: single nucleotide variant.
Coding change: c.2096G>A on transcript NM_015178.3 (MANE Select); coding-DNA position 2096, G replaced by A.
Protein change: p.Arg699Gln; replaces arginine 699 with glutamine.
Molecular consequence: missense variant.
Genome position (GRCh38, 1-based): chr8:23,017,381, G>A. VCF-style: chr8-23017381-G-A. GRCh37 (hg19) VCF-style: chr8-22874894-G-A.
Other names: c.2162G>A, p.Arg721Gln (NM_001160036.2); c.2117G>A, p.Arg706Gln (NM_001160037.2); c.2096G>A, p.Arg699Gln (NM_001374791.1); short protein forms R699Q, R706Q, R721Q.
Identifiers: ClinVar variation 1903138 (VCV001903138.5), dbSNP rs763030083, ClinGen allele CA4672862.

ClinVar aggregate classification (germline): Uncertain significance (1 of 4 stars; one submission).

Allele frequency attached by ClinVar (database versions not stated): TOPMed below 0.00001; gnomAD exomes 0.00001; ExAC 0.00002.

Submission:

Labcorp Genetics (formerly Invitae), Labcorp
Classification: Uncertain significance. Last evaluated: 2022-03-14. Review status: criteria provided, single submitter. Criteria: Invitae Variant Classification Sherloc (09022015). Collection method: clinical testing. Allele origin: germline.
Comment: This sequence change replaces arginine, which is basic and polar, with glutamine, which is neutral and polar, at codon 721 of the RHOBTB2 protein (p.Arg721Gln). This variant is present in population databases (rs763030083, gnomAD 0.007%). This variant has not been reported in the literature in individuals affected with RHOBTB2-related conditions. Algorithms developed to predict the effect of missense changes on protein structure and function are either unavailable or do not agree on the potential impact of this missense change (SIFT: "Tolerated"; PolyPhen-2: "Probably Damaging"; Align-GVGD: "Class C0"). In summary, the available evidence is currently insufficient to determine the role of this variant in disease. Therefore, it has been classified as a Variant of Uncertain Significance.